The following is an entry in ClinVar:

ClinVar aggregate classification (germline): Uncertain significance (1 of 4 stars; one submission).

Conditions:
Gorlin syndrome. Also called: Nevoid Basal Cell Carcinoma Syndrome; Basal cell nevus syndrome. Identifiers: Orphanet 377, MedGen C0004779, MONDO:0007187.

Submission:

Labcorp Genetics (formerly Invitae), Labcorp
Classification: Uncertain significance for Gorlin syndrome. Last evaluated: 2025-05-26. Review status: criteria provided, single submitter. Criteria: Invitae Variant Classification Sherloc (09022015). Collection method: clinical testing. Allele origin: germline.
Comment: This sequence change replaces aspartic acid, which is acidic and polar, with glutamic acid, which is acidic and polar, at codon 12 of the PTCH1 protein (p.Asp12Glu). This variant is not present in population databases (gnomAD no frequency). This variant has not been reported in the literature in individuals affected with PTCH1-related conditions. Invitae Evidence Modeling of protein sequence and biophysical properties (such as structural, functional, and spatial information, amino acid conservation, physicochemical variation, residue mobility, and thermodynamic stability) indicates that this missense variant is not expected to disrupt PTCH1 protein function with a negative predictive value of 95%. In summary, the available evidence is currently insufficient to determine the role of this variant in disease. Therefore, it has been classified as a Variant of Uncertain Significance.

NM_000264.5(PTCH1):c.36C>G (p.Asp12Glu)

Genes: PTCH1 (patched 1; minus strand), LOC130002133 (ATAC-STARR-seq lymphoblastoid silent region 20071; plus strand). Cytogenetic location: 9q22.32.
Variant type: single nucleotide variant.
Coding change: c.36C>G on transcript NM_000264.5 (MANE Select); coding-DNA position 36, C replaced by G.
Protein change: p.Asp12Glu; replaces aspartic acid 12 with glutamic acid.
Molecular consequence: missense variant. On other transcripts: intron variant (3), non-coding transcript variant (1).
Genome position (GRCh38, 1-based): chr9:95,508,326, G>C on the plus strand (C>G on the coding strand, the complement: PTCH1 is on the minus strand). VCF-style: chr9-95508326-G-C. GRCh37 (hg19) VCF-style: chr9-98270608-G-C.
Other names: c.4-1727C>G (NM_001083602.3, NM_001354919.2); c.199-1727C>G (NM_001083603.3); c.36C>G, p.Asp12Glu (NM_001354918.2); short protein forms D12E.
Identifiers: ClinVar variation 4765050 (VCV004765050.1).